The following is an entry in ClinVar:

NM_001256282.2(KRT8):c.39-2208G>A

Gene: KRT8 (keratin 8; minus strand). Cytogenetic location: 12q13.13.
Variant type: single nucleotide variant.
Coding change: c.39-2208G>A on transcript NM_001256282.2; 2208 bases into the intron before coding-DNA position 39, G replaced by A.
Molecular consequence: intron variant.
Genome position (GRCh38, 1-based): chr12:52,907,235, C>T on the plus strand (G>A on the coding strand, the complement: KRT8 is on the minus strand). VCF-style: chr12-52907235-C-T. GRCh37 (hg19) VCF-style: chr12-53301019-C-T.
Other names: c.-46-2208G>A (NM_001256293.2).
Identifiers: ClinVar variation 1259897 (VCV001259897.4), dbSNP rs55958994, ClinGen allele CA13621657.
Genomic context (GRCh38, chr12:52,907,235, plus strand): 5'-AGCTCCTTTAAACAATGCCTAATTTTCCCAAGAGTGATTGGAAGGCATGCTACCCCCTCC[C>T]CAACAAACACCCGCACCCACCAGGGCTGAGAAGCTTTTAACAGAAGACCAAAGGGAGAAG-3'

ClinVar aggregate classification (germline): Benign (1 of 4 stars; one submission).

Allele frequency attached by ClinVar (database versions not stated): 1000 Genomes Project 0.08147; 1000 Genomes Project 30x 0.08620; TOPMed 0.11264; gnomAD 0.11647 and 0.12111.
gnomAD v4.1: 17,749 of 152,208 alleles (12%); highest among the groups gnomAD compares: African/African-American, 14%; 1,109 homozygotes.

Submission:

GeneDx
Classification: Benign. Last evaluated: 2020-07-14. Review status: criteria provided, single submitter. Criteria: GeneDx Variant Classification Process June 2021. Collection method: clinical testing. Allele origin: germline. Affected: yes.
Comment: This variant is associated with the following publications: (PMID: 25044450, 26162851, 31328168)